The following is an entry in ClinVar:

NM_005188.4(CBL):c.1198A>T (p.Met400Leu)

Gene: CBL (Cbl proto-oncogene; plus strand). Cytogenetic location: 11q23.3.
Variant type: single nucleotide variant.
Coding change: c.1198A>T on transcript NM_005188.4 (MANE Select); coding-DNA position 1198, A replaced by T.
Protein change: p.Met400Leu; replaces methionine 400 with leucine.
Molecular consequence: missense variant.
Genome position (GRCh38, 1-based): chr11:119,278,268, A>T. VCF-style: chr11-119278268-A-T. GRCh37 (hg19) VCF-style: chr11-119148978-A-T.
Other names: short protein forms M400L.
Identifiers: ClinVar variation 2128289 (VCV002128289.4), dbSNP rs878856172, ClinGen allele CA229661901.
Genomic context (GRCh38, chr11:119,278,268, plus strand): 5'-CTATGTAAAATATGTGCTGAAAATGATAAGGATGTAAAGATTGAGCCCTGTGGACACCTC[A>T]TGTGCACATCCTGTCTTACATCCTGGCAGGTACGGATCTAAACAGCGACTTTTTTCAGCT-3'
Protein context (NP_005179.2, residues 390-410): DVKIEPCGHL[Met400Leu]CTSCLTSWQE

ClinVar aggregate classification (germline): Uncertain significance (1 of 4 stars; one submission).

Conditions:
RASopathy. Also called: rasopathies; Noonan spectrum disorder. Identifiers: Orphanet 536391, MedGen C5555857, MONDO:0021060.

gnomAD v4.1: 6 of 1,613,590 alleles (0.00037%); highest among the groups gnomAD compares: Non-Finnish European, 0.00051%; no homozygotes.

Submission:

Labcorp Genetics (formerly Invitae), Labcorp
Classification: Uncertain significance for RASopathy. Last evaluated: 2024-07-17. Review status: criteria provided, single submitter. Criteria: Invitae Variant Classification Sherloc (09022015). Collection method: clinical testing. Allele origin: germline.
Comment: This sequence change replaces methionine, which is neutral and non-polar, with leucine, which is neutral and non-polar, at codon 400 of the CBL protein (p.Met400Leu). This variant is not present in population databases (gnomAD no frequency). This variant has not been reported in the literature in individuals affected with CBL-related conditions. ClinVar contains an entry for this variant (Variation ID: 2128289). Advanced modeling of protein sequence and biophysical properties (such as structural, functional, and spatial information, amino acid conservation, physicochemical variation, residue mobility, and thermodynamic stability) performed at Invitae indicates that this missense variant is not expected to disrupt CBL protein function with a negative predictive value of 95%. In summary, the available evidence is currently insufficient to determine the role of this variant in disease. Therefore, it has been classified as a Variant of Uncertain Significance.